The following is an entry in ClinVar:

ClinVar aggregate classification (germline): Pathogenic/Likely pathogenic. Review status: criteria provided, multiple submitters, no conflicts (2 of 4 stars). 3 submissions from 2 submitters: Pathogenic (1); Likely pathogenic (2). Last evaluated 2020-10-28.

Conditions:
Duane-radial ray syndrome (DRRS). Also called: Duane-Radial Ray Syndrome/Okihiro Syndrome; ACRORENOOCULAR SYNDROME; Duane-Radial Ray Syndrome (DRRS) / Okihiro Syndrome; Okihiro Syndrome; DR SYNDROME; DUANE ANOMALY WITH RADIAL RAY ABNORMALITIES AND DEAFNESS. Identifiers: Orphanet 93293, Orphanet 959, MedGen C1623209, MONDO:0011812, OMIM 607323. Disease mechanism: gain of function.
Oculootoradial syndrome (IVIC). Also called: RADIAL RAY DEFECTS, HEARING IMPAIRMENT, EXTERNAL OPHTHALMOPLEGIA, AND THROMBOCYTOPENIA; IVIC syndrome. Identifiers: Orphanet 2307, MedGen C1327918, MONDO:0007836, OMIM 147750.

Submissions (3):

Institute of Human Genetics, University of Leipzig Medical Center
Classification: Likely pathogenic for Oculootoradial syndrome. Last evaluated: 2020-10-28. Review status: criteria provided, single submitter. Criteria: ACMG Guidelines, 2015. Collection method: clinical testing. Allele origin: paternal. Affected: yes.
Comment: This variant was identified as hemizygous.

Institute of Human Genetics, University of Leipzig Medical Center
Classification: Pathogenic for Duane-radial ray syndrome. Last evaluated: 2020-02-05. Review status: criteria provided, single submitter. Criteria: ACMG Guidelines, 2015. Collection method: clinical testing. Allele origin: paternal. Inheritance: Autosomal dominant inheritance. Affected: yes.

CeGaT Center for Human Genetics Tuebingen
Classification: Likely pathogenic. Last evaluated: 2018-08-01. Review status: criteria provided, single submitter. Criteria: CeGaT Center For Human Genetics Tuebingen Variant Classification Criteria Version 2. Collection method: clinical testing. Allele origin: germline. Affected: yes. Observed: 1 variant allele.

NM_020436.5(SALL4):c.131-2del

Gene: SALL4 (spalt like transcription factor 4; minus strand). Cytogenetic location: 20q13.2.
Variant type: Deletion.
Coding change: c.131-2del on transcript NM_020436.5 (MANE Select); the canonical splice acceptor site of the intron before coding-DNA position 131, one base deleted (A; older notation c.131-2delA).
Molecular consequence: splice acceptor variant.
Genome position (GRCh38, 1-based): chr20:51,792,354, T deleted on the plus strand (A on the coding strand, the reverse complement: SALL4 is on the minus strand). VCF-style (leftmost placement, unchanged base first): chr20-51792353-CT-C. GRCh37 (hg19) VCF-style: chr20-50408892-CT-C.
Other names: c.131-2del (NM_001318031.2).
Identifiers: ClinVar variation 624200 (VCV000624200.47), dbSNP rs1568866374, ClinGen allele CA913190514.